The following is an entry in ClinVar:

ClinVar aggregate classification (germline): Uncertain significance (1 of 4 stars; one submission).

Conditions:
Emery-Dreifuss muscular dystrophy 5, autosomal dominant (EDMD5). Also called: EMERY-DREIFUSS MUSCULAR DYSTROPHY 5. Identifiers: Orphanet 261, MedGen C2751805, MONDO:0013072, OMIM 612999.

gnomAD v4.1: 1 of 1,613,152 alleles (0.000062%); no homozygotes.

Submission:

Labcorp Genetics (formerly Invitae), Labcorp
Classification: Uncertain significance for Emery-Dreifuss muscular dystrophy 5, autosomal dominant. Last evaluated: 2020-02-21. Review status: criteria provided, single submitter. Criteria: Invitae Variant Classification Sherloc (09022015). Collection method: clinical testing. Allele origin: germline.
Comment: Algorithms developed to predict the effect of missense changes on protein structure and function are either unavailable or do not agree on the potential impact of this missense change (SIFT: "Tolerated"; PolyPhen-2: "Probably Damaging"; Align-GVGD: "Class C0"). This variant has not been reported in the literature in individuals with SYNE2-related conditions. This variant is not present in population databases (ExAC no frequency). This sequence change replaces glutamine with arginine at codon 1271 of the SYNE2 protein (p.Gln1271Arg). The glutamine residue is weakly conserved and there is a small physicochemical difference between glutamine and arginine. In summary, the available evidence is currently insufficient to determine the role of this variant in disease. Therefore, it has been classified as a Variant of Uncertain Significance.

NM_182914.3(SYNE2):c.3812A>G (p.Gln1271Arg)

Gene: SYNE2 (spectrin repeat containing nuclear envelope protein 2; plus strand). Cytogenetic location: 14q23.2.
Variant type: single nucleotide variant.
Coding change: c.3812A>G on transcript NM_182914.3 (MANE Select); coding-DNA position 3812, A replaced by G.
Protein change: p.Gln1271Arg; replaces glutamine 1271 with arginine.
Molecular consequence: missense variant.
Genome position (GRCh38, 1-based): chr14:64,002,745, A>G. VCF-style: chr14-64002745-A-G. GRCh37 (hg19) VCF-style: chr14-64469463-A-G.
Other names: c.3812A>G, p.Gln1271Arg (NM_015180.6); short protein forms Q1271R.
Identifiers: ClinVar variation 943954 (VCV000943954.9), dbSNP rs2096765172, ClinGen allele CA389996219.